The following is an entry in ClinVar:

NM_001035.3(RYR2):c.2879A>C (p.Lys960Thr)

Gene: RYR2 (ryanodine receptor 2; plus strand). Cytogenetic location: 1q43.
Variant type: single nucleotide variant.
Coding change: c.2879A>C on transcript NM_001035.3 (MANE Select); coding-DNA position 2879, A replaced by C.
Protein change: p.Lys960Thr; replaces lysine 960 with threonine.
Molecular consequence: missense variant.
Genome position (GRCh38, 1-based): chr1:237,530,483, A>C. VCF-style: chr1-237530483-A-C. GRCh37 (hg19) VCF-style: chr1-237693783-A-C.
Other names: short protein forms K960T.
Identifiers: ClinVar variation 918358 (VCV000918358.4), dbSNP rs1668036111, ClinGen allele CA345388122.

ClinVar aggregate classification (germline): Uncertain significance (1 of 4 stars; one submission).

Conditions:
Cardiomyopathy (CMYO). Also called: Cardiomyopathies. Identifiers: Orphanet 167848, MedGen C0878544, MONDO:0004994, HP:0001638. Inheritance: Various modes of inheritance.

Submission:

Color Diagnostics, LLC DBA Color Health
Classification: Uncertain significance for Cardiomyopathy. Last evaluated: 2023-12-04. Review status: criteria provided, single submitter. Criteria: ACMG Guidelines, 2015. Collection method: clinical testing. Allele origin: germline.
Comment: This missense variant replaces lysine with threonine at codon 960 of the RYR2 protein. Computational prediction suggests that this variant may not impact protein structure and function (internally defined REVEL score threshold <= 0.5, PMID: 27666373). To our knowledge, functional studies have not been reported for this variant. This variant has not been reported in individuals affected with RYR2-related disorders in the literature. This variant has not been identified in the general population by the Genome Aggregation Database (gnomAD). The available evidence is insufficient to determine the role of this variant in disease conclusively. Therefore, this variant is classified as a Variant of Uncertain Significance.